The following is an entry in ClinVar:

NM_001139.3(ALOX12B):c.1512G>A (p.Ala504=)

Gene: ALOX12B (arachidonate 12-lipoxygenase, 12R type; minus strand). Cytogenetic location: 17p13.1.
Variant type: single nucleotide variant.
Coding change: c.1512G>A on transcript NM_001139.3 (MANE Select); coding-DNA position 1512, G replaced by A.
Protein change: p.Ala504=; no amino-acid change (alanine 504 retained).
Molecular consequence: synonymous variant.
Genome position (GRCh38, 1-based): chr17:8,076,195, C>T on the plus strand (G>A on the coding strand, the complement: ALOX12B is on the minus strand). VCF-style: chr17-8076195-C-T. GRCh37 (hg19) VCF-style: chr17-7979513-C-T.
Identifiers: ClinVar variation 716896 (VCV000716896.7), dbSNP rs376324924, ClinGen allele CA8367287.

ClinVar aggregate classification (germline): Likely benign. Review status: criteria provided, single submitter (1 of 4 stars). 2 submissions from 2 submitters: Likely benign (1). 1 of the submissions does not count toward it. Last evaluated 2025-12-16.

Conditions:
ALOX12B-related disorder. Also called: ALOX12B-related condition.

Allele frequency attached by ClinVar (database versions not stated): gnomAD 0.00006 and 0.00008; gnomAD exomes 0.00008 and 0.00015; ExAC 0.00011; TOPMed 0.00015.
gnomAD v4.1: 168 of 1,613,994 alleles (0.01%); highest among the groups gnomAD compares: Admixed American, 0.068%; 1 homozygote.

Submissions (2):

Labcorp Genetics (formerly Invitae), Labcorp
Classification: Likely benign. Last evaluated: 2025-12-16. Review status: criteria provided, single submitter. Criteria: Invitae Variant Classification Sherloc (09022015). Collection method: clinical testing. Allele origin: germline.

PreventionGenetics, part of Exact Sciences
Classification: Likely benign for ALOX12B-related condition. Last evaluated: 2019-10-28. Review status: no assertion criteria provided. Collection method: clinical testing. Allele origin: germline. Not counted in ClinVar's aggregate classification.
Comment: This variant is classified as likely benign based on ACMG/AMP sequence variant interpretation guidelines (Richards et al. 2015 PMID: 25741868, with internal and published modifications).